The following is an entry in ClinVar:

ClinVar aggregate classification (germline): Likely benign. Review status: criteria provided, single submitter (1 of 4 stars). 2 submissions from 2 submitters: Likely benign (1). 1 of the submissions does not count toward it. Last evaluated 2025-04-25.

Conditions:
CLPP-related disorder. Also called: CLPP-related condition.

Submissions (2):

Labcorp Genetics (formerly Invitae), Labcorp
Classification: Likely benign. Last evaluated: 2025-04-25. Review status: criteria provided, single submitter. Criteria: Invitae Variant Classification Sherloc (09022015). Collection method: clinical testing. Allele origin: germline.

PreventionGenetics, part of Exact Sciences
Classification: Likely benign for CLPP-related condition. Last evaluated: 2020-03-17. Review status: no assertion criteria provided. Collection method: clinical testing. Allele origin: germline. Not counted in ClinVar's aggregate classification.
Comment: This variant is classified as likely benign based on ACMG/AMP sequence variant interpretation guidelines (Richards et al. 2015 PMID: 25741868, with internal and published modifications).

NM_006012.4(CLPP):c.556-14_556-4del

Gene: CLPP (caseinolytic mitochondrial matrix peptidase proteolytic subunit; plus strand). Cytogenetic location: 19p13.3.
Variant type: Deletion.
Coding change: c.556-14_556-4del on transcript NM_006012.4 (MANE Select); 14 bases into the intron before coding-DNA position 556 through 4 bases into the intron before coding-DNA position 556, 11 bases deleted (TGGACGTCCCT).
Molecular consequence: intron variant.
Genome position (GRCh38, 1-based): chr19:6,366,244-6,366,254, TGGACGTCCCT deleted; deleting any 11 consecutive bases within chr19:6,366,239-6,366,254 gives the same sequence; the c. name uses the placement nearest the transcript's 3' end. VCF-style (leftmost placement, unchanged base first): chr19-6366238-CTCCCTTGGACG-C. GRCh37 (hg19) VCF-style: chr19-6366249-CTCCCTTGGACG-C.
Identifiers: ClinVar variation 3047377 (VCV003047377.3), dbSNP rs1322981852, ClinGen allele CA631643204.